The following is an entry in ClinVar:

NM_001267550.2(TTN):c.8069C>T (p.Thr2690Ile)

Gene: TTN (titin; minus strand). Cytogenetic location: 2q31.2.
Variant type: single nucleotide variant.
Coding change: c.8069C>T on transcript NM_001267550.2 (MANE Select); coding-DNA position 8069, C replaced by T.
Protein change: p.Thr2690Ile; replaces threonine 2690 with isoleucine.
Molecular consequence: missense variant.
Genome position (GRCh38, 1-based): chr2:178,771,258, G>A on the plus strand (C>T on the coding strand, the complement: TTN is on the minus strand). VCF-style: chr2-178771258-G-A. GRCh37 (hg19) VCF-style: chr2-179635985-G-A.
Other names: p.T2690I:ACC>ATC; c.7931C>T, p.Thr2644Ile (NM_003319.4, NM_133432.3, NM_133437.4); c.8069C>T, p.Thr2690Ile (NM_133379.5, NM_001256850.1, NM_133378.4); short protein forms T2690I, T2644I.
Identifiers: ClinVar variation 166306 (VCV000166306.72), dbSNP rs374620001, ClinGen allele CA179255.

ClinVar aggregate classification (germline): Conflicting classifications of pathogenicity. Review status: criteria provided, conflicting classifications (1 of 4 stars). 18 submissions from 14 submitters: Uncertain significance (4); Benign (6); Likely benign (6). 2 of the submissions do not count toward it. Last evaluated 2026-01-05.

Conditions:
Cardiovascular phenotype. Identifiers: MedGen CN230736.
Dilated cardiomyopathy 1G (CMD1G). Identifiers: Orphanet 154, MedGen C1858763, MONDO:0011400, OMIM 604145.
Autosomal recessive limb-girdle muscular dystrophy type 2J (LGMDR10). Also called: Limb-girdle muscular dystrophy, type 2J; MUSCULAR DYSTROPHY, LIMB-GIRDLE, AUTOSOMAL RECESSIVE 10. Identifiers: Orphanet 140922, MedGen C1837342, MONDO:0012127, OMIM 608807.
Cardiomyopathy (CMYO). Also called: Cardiomyopathies. Identifiers: Orphanet 167848, MedGen C0878544, MONDO:0004994, HP:0001638. Inheritance: Various modes of inheritance.
Early-onset myopathy with fatal cardiomyopathy (CMYO5). Also called: CONGENITAL MYOPATHY 5 WITH CARDIOMYOPATHY; Salih Myopathy. Identifiers: Orphanet 289377, MedGen C2673677, MONDO:0012714, OMIM 611705. Disease mechanism: loss of function.
Tibial muscular dystrophy (TMD). Also called: UDD MYOPATHY; Tibial muscular dystrophy, tardive; Udd Distal Myopathy – Tibial Muscular Dystrophy. Identifiers: Orphanet 609, MedGen C1838244, MONDO:0010870, OMIM 600334.
Myopathy, myofibrillar, 9, with early respiratory failure (MFM9). Also called: Hereditary myopathy with early respiratory failure; MYOPATHY, PROXIMAL, WITH EARLY RESPIRATORY MUSCLE INVOLVEMENT; EDSTROM MYOPATHY; Myopathy, distal, with early respiratory failure, autosomal dominant. Identifiers: Orphanet 178464, Orphanet 34521, MedGen C1863599, MONDO:0011362, OMIM 603689.

Allele frequency attached by ClinVar (database versions not stated): gnomAD 0.00019 and 0.00031; gnomAD exomes 0.00019 and 0.00060; TOPMed 0.00023; ExAC 0.00059; 1000 Genomes Project 30x 0.00156; 1000 Genomes Project 0.00180.
gnomAD v4.1: 340 of 1,614,082 alleles (0.021%); highest among the groups gnomAD compares: East Asian, 0.56%; no homozygotes.

Submissions (18):

Labcorp Genetics (formerly Invitae), Labcorp
Classification: Benign for Dilated cardiomyopathy 1G; Autosomal recessive limb-girdle muscular dystrophy type 2J. Last evaluated: 2026-01-05. Review status: criteria provided, single submitter. Criteria: Invitae Variant Classification Sherloc (09022015). Collection method: clinical testing. Allele origin: germline.

Women's Health and Genetics/Laboratory Corporation of America, LabCorp
Classification: Likely benign. Last evaluated: 2025-02-09. Review status: criteria provided, single submitter. Criteria: LabCorp Variant Classification Summary - May 2015. Collection method: clinical testing. Allele origin: germline.

Blueprint Genetics
Classification: Likely benign. Last evaluated: 2024-09-10. Review status: criteria provided, single submitter. Criteria: ACMG Guidelines, 2015. Collection method: clinical testing. Allele origin: germline.

CHEO Genetics Diagnostic Laboratory, Children's Hospital of Eastern Ontario
Classification: Benign for Cardiomyopathy. Last evaluated: 2023-03-06. Review status: criteria provided, single submitter. Criteria: ACMG Guidelines, 2015. Collection method: clinical testing. Allele origin: germline.

CeGaT Center for Human Genetics Tuebingen
Classification: Likely benign. Last evaluated: 2022-12-01. Review status: criteria provided, single submitter. Criteria: CeGaT Center For Human Genetics Tuebingen Variant Classification Criteria Version 2. Collection method: clinical testing. Allele origin: germline. Affected: yes. Observed: 3 variant alleles.
Comment: TTN: BS2

GeneDx
Classification: Likely benign. Last evaluated: 2020-07-22. Review status: criteria provided, single submitter. Criteria: GeneDx Variant Classification Process June 2021. Collection method: clinical testing. Allele origin: germline. Affected: yes.
Comment: This variant is associated with the following publications: (PMID: 29886034)

Ambry Genetics
Classification: Likely benign for Cardiovascular phenotype. Last evaluated: 2019-02-21. Review status: criteria provided, single submitter. Criteria: Ambry Variant Classification Scheme 2023. Collection method: clinical testing. Allele origin: germline.

Illumina Laboratory Services, Illumina
Classification: Benign for Myopathy, myofibrillar, 9, with early respiratory failure. Last evaluated: 2018-01-12. Review status: criteria provided, single submitter. Criteria: ICSL Variant Classification Criteria 13 December 2019. Collection method: clinical testing. Allele origin: germline.
Comment: This variant was observed in the ICSL laboratory as part of a predisposition screen in an ostensibly healthy population. It had not been previously curated by ICSL or reported in the Human Gene Mutation Database (HGMD: prior to June 1st, 2018), and was therefore a candidate for classification through an automated scoring system. Utilizing variant allele frequency, disease prevalence and penetrance estimates, and inheritance mode, an automated score was calculated to assess if this variant is too frequent to cause the disease. Based on the score and internal cut-off values, a variant classified as benign is not then subjected to further curation. The score for this variant resulted in a classification of benign for this disease.

Illumina Laboratory Services, Illumina
Classification: Benign for Tibial muscular dystrophy. Last evaluated: 2018-01-12. Review status: criteria provided, single submitter. Criteria: ICSL Variant Classification Criteria 13 December 2019. Collection method: clinical testing. Allele origin: germline.
Comment: the same text as in the submission from Illumina Laboratory Services, Illumina above.

Illumina Laboratory Services, Illumina
Classification: Uncertain significance for Autosomal recessive limb-girdle muscular dystrophy type 2J. Last evaluated: 2018-01-12. Review status: criteria provided, single submitter. Criteria: ICSL Variant Classification Criteria 13 December 2019. Collection method: clinical testing. Allele origin: germline.

Illumina Laboratory Services, Illumina
Classification: Uncertain significance for Dilated cardiomyopathy 1G. Last evaluated: 2018-01-12. Review status: criteria provided, single submitter. Criteria: ICSL Variant Classification Criteria 13 December 2019. Collection method: clinical testing. Allele origin: germline.

Illumina Laboratory Services, Illumina
Classification: Uncertain significance for Early-onset myopathy with fatal cardiomyopathy. Last evaluated: 2018-01-12. Review status: criteria provided, single submitter. Criteria: ICSL Variant Classification Criteria 13 December 2019. Collection method: clinical testing. Allele origin: germline.

Athena Diagnostics
Classification: Benign. Last evaluated: 2017-04-13. Review status: criteria provided, single submitter. Criteria: Athena Diagnostics Criteria. Collection method: clinical testing. Allele origin: germline.

Genetic Services Laboratory, University of Chicago
Classification: Uncertain significance. Last evaluated: 2016-04-29. Review status: criteria provided, single submitter. Criteria: ACMG Guidelines, 2015. Collection method: clinical testing. Allele origin: germline. Affected: no.

Laboratory for Molecular Medicine, Mass General Brigham Personalized Medicine
Classification: Likely benign. Last evaluated: 2015-10-01. Review status: criteria provided, single submitter. Criteria: LMM Criteria. Collection method: clinical testing. Allele origin: germline. Observed: 2 variant alleles.
Comment: p.Thr2690Ile in exon 34 of TTN: This variant is not expected to have clinical si gnificance because it has been identified in 0.7% (64/8574) of East Asian chromo somes by the Exome Aggregation Consortium (ExAC; dbSNP rs374620001).

Eurofins Ntd Llc (ga)
Classification: Benign. Last evaluated: 2014-11-20. Review status: criteria provided, single submitter. Criteria: EGL Classification Definitions 2015. Collection method: clinical testing. Allele origin: germline. Observed: 1 variant allele, 1 heterozygote.

Clinical Genetics, Academic Medical Center
Classification: Benign. Review status: no assertion criteria provided. Collection method: clinical testing. Allele origin: germline. Affected: yes. Study: VKGL Data-share Consensus. Not counted in ClinVar's aggregate classification.

Laboratory of Diagnostic Genome Analysis, Leiden University Medical Center (LUMC)
Classification: Likely benign. Review status: no assertion criteria provided. Collection method: clinical testing. Allele origin: germline. Affected: yes. Study: VKGL Data-share Consensus. Not counted in ClinVar's aggregate classification.